The following is an entry in ClinVar:

NM_000548.5(TSC2):c.736A>G (p.Thr246Ala)

Gene: TSC2 (TSC complex subunit 2; plus strand). Cytogenetic location: 16p13.3.
Variant type: single nucleotide variant.
Coding change: c.736A>G on transcript NM_000548.5 (MANE Select); coding-DNA position 736, A replaced by G.
Protein change: p.Thr246Ala; replaces threonine 246 with alanine.
Molecular consequence: missense variant.
Genome position (GRCh38, 1-based): chr16:2,056,731, A>G. VCF-style: chr16-2056731-A-G. GRCh37 (hg19) VCF-style: chr16-2106732-A-G.
Other names: c.736A>G, p.Thr246Ala (NM_001077183.3, NM_001114382.3, NM_001363528.2 and 3 more transcripts); c.625A>G, p.Thr209Ala (NM_001318827.2); c.589A>G, p.Thr197Ala (NM_001318829.2); c.136A>G, p.Thr46Ala (NM_001318831.2); c.769A>G, p.Thr257Ala (NM_001318832.2); short protein forms T246A, T197A, T209A, T257A, T46A.
Identifiers: ClinVar variation 49384 (VCV000049384.22), dbSNP rs137854123, ClinGen allele CA022910.

ClinVar aggregate classification (germline): Conflicting classifications of pathogenicity. Review status: criteria provided, conflicting classifications (1 of 4 stars). 9 submissions from 9 submitters: Uncertain significance (5); Likely benign (2). 2 of the submissions do not count toward it. Last evaluated 2025-06-16.

Conditions:
Hereditary cancer-predisposing syndrome. Also called: Neoplastic Syndromes, Hereditary; Tumor predisposition; Hereditary Cancer Syndrome; Hereditary neoplastic syndrome. Identifiers: Orphanet 140162, MedGen C0027672, MeSH D009386, MONDO:0015356.
Tuberous sclerosis syndrome (TSC). Also called: Tuberous Sclerosis Complex; Tuberous sclerosis. Identifiers: Orphanet 805, MedGen C0041341, MONDO:0001734.
Isolated focal cortical dysplasia type II (FCORD2). Also called: CORTICAL DYSPLASIA OF TAYLOR; Focal cortical dysplasia type II. Identifiers: Orphanet 268994, MedGen C1846385, MONDO:0011818, OMIM 607341, HP:0032051.
Tuberous sclerosis 2 (TSC2). Identifiers: Orphanet 805, MedGen C1860707, MONDO:0013199, OMIM 613254.

Allele frequency attached by ClinVar (database versions not stated): gnomAD exomes below 0.00001 and 0.00002; TOPMed below 0.00001; ExAC 0.00001; ESP Exome Variant Server 0.00008.
gnomAD v4.1: 6 of 1,611,924 alleles (0.00037%); highest among the groups gnomAD compares: East Asian, 0.0089%; no homozygotes.

Submissions (9):

Labcorp Genetics (formerly Invitae), Labcorp
Classification: Likely benign for Tuberous sclerosis 2. Last evaluated: 2025-06-16. Review status: criteria provided, single submitter. Criteria: Invitae Variant Classification Sherloc (09022015). Collection method: clinical testing. Allele origin: germline.

Ambry Genetics
Classification: Uncertain significance for Hereditary cancer-predisposing syndrome. Last evaluated: 2024-02-12. Review status: criteria provided, single submitter. Criteria: Ambry Variant Classification Scheme 2023. Collection method: clinical testing. Allele origin: germline.
Comment: The p.T246A variant (also known as c.736A>G), located in coding exon 7 of the TSC2 gene, results from an A to G substitution at nucleotide position 736. The threonine at codon 246 is replaced by alanine, an amino acid with similar properties. This alteration was detected in two members of a Japanese family with features of tuberous sclerosis (TSC) (Sasongko TH et al, 2008 May;54:E73-81). This alteration was identified in 1/374 Chinese patients with clinically suspected TSC undergoing genetic testing within the TSC1 and TSC2 genes, and was classified as a variant of unknown significance by the authors (Meng Y et al. J Hum Genet, 2021 Mar;66:227-236). This amino acid position is highly conserved in available vertebrate species. In addition, this alteration is predicted to be deleterious by in silico analysis. Based on the available evidence, the clinical significance of this alteration remains unclear.

All of Us Research Program, National Institutes of Health
Classification: Uncertain significance for Tuberous sclerosis syndrome. Last evaluated: 2023-12-13. Review status: criteria provided, single submitter. Criteria: ACMG Guidelines, 2015. Collection method: clinical testing. Allele origin: germline. Inheritance: Autosomal dominant inheritance. Observed: 1 variant allele, 1 heterozygote.
Comment: This missense variant replaces threonine with alanine at codon 246 of the TSC2 protein. Computational prediction suggests that this variant may have deleterious impact on protein structure and function (internally defined REVEL score threshold >= 0.7, PMID: 27666373). To our knowledge, functional studies have not been reported for this variant. This variant has been reported in an individual affected with tuberous sclerosis complex (PMID: 18772611). This variant has been identified in 4/249706 chromosomes in the general population by the Genome Aggregation Database (gnomAD). The available evidence is insufficient to determine the role of this variant in disease conclusively. Therefore, this variant is classified as a Variant of Uncertain Significance.

This study involves interpretation of variants in research participants for the purpose of population health screening. Participant phenotype was not available at the time of variant classification. Additional details can be found in publication PMID: 35346344, PMCID: PMC8962531

Baylor Genetics
Classification: Uncertain significance for Isolated focal cortical dysplasia type II. Last evaluated: 2023-10-17. Review status: criteria provided, single submitter. Criteria: ACMG Guidelines, 2015. Collection method: clinical testing. Allele origin: unknown.

GeneDx
Classification: Uncertain significance. Last evaluated: 2022-09-30. Review status: criteria provided, single submitter. Criteria: GeneDx Variant Classification Process June 2021. Collection method: clinical testing. Allele origin: germline. Affected: yes.
Comment: Previously reported as a maternally inherited variant of uncertain significance in a patient suspected to have TSC; detailed clinical information not provided (Meng et al., 2021); In silico analysis supports that this missense variant has a deleterious effect on protein structure/function; This variant is associated with the following publications: (PMID: 18466115, 26994145, 30564305, 18772611, 32917966, 25637381)

Genome-Nilou Lab
Classification: Likely benign for Tuberous sclerosis 2. Last evaluated: 2021-11-07. Review status: criteria provided, single submitter. Criteria: ACMG Guidelines, 2015. Collection method: clinical testing. Allele origin: germline. Affected: no.

Laboratory for Molecular Medicine, Mass General Brigham Personalized Medicine
Classification: Uncertain significance. Last evaluated: 2016-09-21. Review status: criteria provided, single submitter. Criteria: LMM Criteria. Collection method: clinical testing. Allele origin: germline. Observed: 1 variant allele.
Comment: Variant classified as Uncertain Significance - Favor Pathogenic. This variant has been identified in 1/10372 African chromosomes by the Exome Aggregation Consortium (ExAC; dbSNP rs137854123). Computational prediction tools and conservation analysis suggest that the p.Thr246Ala variant may impact the prote in, though this information is not predictive enough to determine pathogenicity. In summary, the clinical significance of the p.Thr246Ala variant is uncertain.

CSER _CC_NCGL, University of Washington
Classification: Uncertain significance for Tuberous sclerosis. Last evaluated: 2014-06-01. Review status: no assertion criteria provided. Collection method: research. Allele origin: germline. Inheritance: Autosomal dominant inheritance. Study: ESP 6500 variant annotation. Not counted in ClinVar's aggregate classification.
Comment: Variants classified for the Actionable exomic incidental findings in 6503 participants: challenges of variant classification manuscript

Tuberous sclerosis database (TSC2)
No classification provided. Condition: TSC. Review status: no classification provided. Criteria: Tuberous Sclerosis Database Assertion Criteria 2015. Collection method: curation. Allele origin: germline. Affected: yes. Not counted in ClinVar's aggregate classification.

Literature cited by the submitters: PubMed 18772611 (cited by 3 submitters); PubMed 26994145 (cited by Ambry Genetics); PubMed 32917966 (cited by Ambry Genetics).